The following is an entry in ClinVar:

NM_001042517.2(DIAPH3):c.2419C>T (p.Leu807Phe)

Gene: DIAPH3 (diaphanous related formin 3; minus strand). Cytogenetic location: 13q21.2.
Variant type: single nucleotide variant.
Coding change: c.2419C>T on transcript NM_001042517.2 (MANE Select); coding-DNA position 2419, C replaced by T.
Protein change: p.Leu807Phe; replaces leucine 807 with phenylalanine.
Molecular consequence: missense variant.
Genome position (GRCh38, 1-based): chr13:59,879,417, G>A on the plus strand (C>T on the coding strand, the complement: DIAPH3 is on the minus strand). VCF-style: chr13-59879417-G-A. GRCh37 (hg19) VCF-style: chr13-60453551-G-A.
Other names: c.2386C>T, p.Leu796Phe (NM_001258366.2); c.2281C>T, p.Leu761Phe (NM_001258367.2); c.2209C>T, p.Leu737Phe (NM_001258368.2); c.2419C>T, p.Leu807Phe (NM_001258369.2); c.1630C>T, p.Leu544Phe (NM_001258370.2, NM_030932.4); short protein forms L796F, L737F, L761F, L807F, L544F.
Identifiers: ClinVar variation 4735988 (VCV004735988.1).

ClinVar aggregate classification (germline): Uncertain significance (1 of 4 stars; one submission).

Submission:

Labcorp Genetics (formerly Invitae), Labcorp
Classification: Uncertain significance. Last evaluated: 2026-01-27. Review status: criteria provided, single submitter. Criteria: Invitae Variant Classification Sherloc (09022015). Collection method: clinical testing. Allele origin: germline.
Comment: This sequence change replaces leucine, which is neutral and non-polar, with phenylalanine, which is neutral and non-polar, at codon 807 of the DIAPH3 protein (p.Leu807Phe). This variant is not present in population databases (gnomAD no frequency). This variant has not been reported in the literature in individuals affected with DIAPH3-related conditions. An algorithm developed to predict the effect of missense changes on protein structure and function (PolyPhen-2) suggests that this variant is likely to be disruptive. Algorithms developed to predict the effect of sequence changes on RNA splicing suggest that this variant may create or strengthen a splice site. In summary, the available evidence is currently insufficient to determine the role of this variant in disease. Therefore, it has been classified as a Variant of Uncertain Significance.